The following is an entry in ClinVar:

NM_206933.4(USH2A):c.2779C>T (p.Gln927Ter)

Genes: USH2A (usherin; minus strand), LOC122152296 (Sharpr-MPRA regulatory region 8762; plus strand). Cytogenetic location: 1q41.
Variant type: single nucleotide variant.
Coding change: c.2779C>T on transcript NM_206933.4 (MANE Select); coding-DNA position 2779, C replaced by T.
Protein change: p.Gln927Ter; replaces glutamine 927 with a stop codon.
Molecular consequence: nonsense.
Genome position (GRCh38, 1-based): chr1:216,246,615, G>A on the plus strand (C>T on the coding strand, the complement: USH2A is on the minus strand). VCF-style: chr1-216246615-G-A. GRCh37 (hg19) VCF-style: chr1-216419957-G-A.
Other names: c.2779C>T, p.Gln927Ter (NM_007123.6); c.2779C>T (NM_206933.2); short protein forms Q927*.
Identifiers: ClinVar variation 1352951 (VCV001352951.11), dbSNP rs1438734382, ClinGen allele CA344864055.
Genomic context (GRCh38, chr1:216,246,615, plus strand): 5'-CACTGAAAATGTAATACATTTCTTTCTTACCTGGTTGACACTGATTACACCTTCTTCCTT[G>A]ACGATTAGGCACACACAGGCACTGGCCACTGATTGGGTCACAAATGGTCCCAGGTAATGT-3'

ClinVar aggregate classification (germline): Pathogenic/Likely pathogenic. Review status: criteria provided, multiple submitters, no conflicts (2 of 4 stars). 7 submissions from 6 submitters: Pathogenic (3); Likely pathogenic (3). 1 of the submissions does not count toward it. Last evaluated 2026-07-17.

Conditions:
USH2A-related disorder. Also called: USH2A-related disorders; USH2A-related condition. Identifiers: MedGen CN239332.
Usher syndrome type 2. Also called: Usher Syndrome Type II. Identifiers: Orphanet 231178, MedGen C0339534, MONDO:0016484.
Retinitis pigmentosa 39 (RP39). Identifiers: Orphanet 791, MedGen C3151138, MONDO:0013436, OMIM 613809.
Usher syndrome type 2A. Also called: RETINAL DISEASE IN USHER SYNDROME TYPE IIA, MODIFIER OF; USHER SYNDROME, TYPE IIA. Identifiers: Orphanet 231178, Orphanet 886, MedGen C1848634, MONDO:0010169, OMIM 276901.

Allele frequency attached by ClinVar (database versions not stated): gnomAD exomes below 0.00001.

Submissions (7):

GeneDx
Classification: Pathogenic. Last evaluated: 2026-07-17. Review status: criteria provided, single submitter. Criteria: GeneDx Variant Classification Process June 2021. Collection method: clinical testing. Allele origin: germline.
Comment: Nonsense variant predicted to result in protein truncation or nonsense mediated decay in a gene for which loss of function is a known mechanism of disease; Not observed at significant frequency in large population cohorts (gnomAD); This variant is associated with the following publications: (PMID: 31964843, 37287646)

Genome-Nilou Lab
Classification: Likely pathogenic for Retinitis pigmentosa 39. Last evaluated: 2023-11-04. Review status: criteria provided, single submitter. Criteria: ACMG Guidelines, 2015. Collection method: clinical testing. Allele origin: germline. Affected: no.

Genome-Nilou Lab
Classification: Likely pathogenic for Usher syndrome type 2A. Last evaluated: 2023-11-04. Review status: criteria provided, single submitter. Criteria: ACMG Guidelines, 2015. Collection method: clinical testing. Allele origin: germline. Affected: no.

Labcorp Genetics (formerly Invitae), Labcorp
Classification: Pathogenic. Last evaluated: 2023-08-28. Review status: criteria provided, single submitter. Criteria: Invitae Variant Classification Sherloc (09022015). Collection method: clinical testing. Allele origin: germline.
Comment: For these reasons, this variant has been classified as Pathogenic. ClinVar contains an entry for this variant (Variation ID: 1352951). This variant has not been reported in the literature in individuals affected with USH2A-related conditions. This variant is present in population databases (no rsID available, gnomAD 0.003%). This sequence change creates a premature translational stop signal (p.Gln927*) in the USH2A gene. It is expected to result in an absent or disrupted protein product. Loss-of-function variants in USH2A are known to be pathogenic (PMID: 10729113, 10909849, 20507924, 25649381).

Baylor Genetics
Classification: Pathogenic for Retinitis pigmentosa 39. Last evaluated: 2023-08-07. Review status: criteria provided, single submitter. Criteria: ACMG Guidelines, 2015. Collection method: clinical testing. Allele origin: unknown.

Blueprint Genetics
Classification: Likely pathogenic for USH2A-related disorders. Last evaluated: 2022-01-25. Review status: criteria provided, single submitter. Criteria: ACMG Guidelines, 2015. Collection method: clinical testing. Allele origin: germline. Affected: yes. Observed: 1 variant allele.

Ophthalmo-Genetics Lab, Instituto de Oftalmologia Conde de Valenciana
Classification: Pathogenic for Usher syndrome type 2. Last evaluated: 2022-11-14. Review status: no assertion criteria provided. Collection method: clinical testing. Allele origin: germline. Inheritance: Autosomal recessive inheritance. Affected: yes. Not counted in ClinVar's aggregate classification.
Comment: Novel pathogenic variant. PVS1, PM2, PP5, PP4, PM3.

Literature cited by the submitters: PubMed 10729113 (cited by Labcorp Genetics (formerly Invitae), Labcorp); PubMed 10909849 (cited by Labcorp Genetics (formerly Invitae), Labcorp); PubMed 20507924 (cited by Labcorp Genetics (formerly Invitae), Labcorp); PubMed 25649381 (cited by Labcorp Genetics (formerly Invitae), Labcorp); PubMed 35076463 (cited by Ophthalmo-Genetics Lab, Instituto de Oftalmologia Conde de Valenciana).